The following is an entry in ClinVar:

NM_001283009.2(RTEL1):c.1678T>G (p.Phe560Val)

Genes: RTEL1 (regulator of telomere elongation helicase 1; plus strand), RTEL1-TNFRSF6B (RTEL1-TNFRSF6B readthrough (NMD candidate); plus strand). Cytogenetic location: 20q13.33.
Variant type: single nucleotide variant.
Coding change: c.1678T>G on transcript NM_001283009.2 (MANE Select); coding-DNA position 1678, T replaced by G.
Protein change: p.Phe560Val; replaces phenylalanine 560 with valine.
Molecular consequence: missense variant. On other transcripts: non-coding transcript variant (1).
Genome position (GRCh38, 1-based): chr20:63,688,342, T>G. VCF-style: chr20-63688342-T-G. GRCh37 (hg19) VCF-style: chr20-62319695-T-G.
Other names: c.1009T>G, p.Phe337Val (NM_001283010.1); c.1678T>G, p.Phe560Val (NM_016434.4); c.1750T>G, p.Phe584Val (NM_032957.5); short protein forms F560V, F584V, F337V.
Identifiers: ClinVar variation 5028535 (VCV005028535.1).

ClinVar aggregate classification (germline): Uncertain significance (1 of 4 stars; one submission).

Conditions:
Inborn genetic diseases. Identifiers: MedGen C0950123, MeSH D030342.

Submission:

Ambry Genetics
Classification: Uncertain significance for Inborn genetic diseases. Last evaluated: 2026-09-05. Review status: criteria provided, single submitter. Criteria: Ambry Variant Classification Scheme 2023. Collection method: clinical testing. Allele origin: germline.
Comment: The p.F560V variant (also known as c.1678T>G), located in coding exon 19 of the RTEL1 gene, results from a T to G substitution at nucleotide position 1678. The phenylalanine at codon 560 is replaced by valine, an amino acid with highly similar properties. This amino acid position is conserved. In addition, this alteration is predicted to be deleterious by in silico analysis. Based on the available evidence, the clinical significance of this variant remains unclear.